The following is an entry in ClinVar:

NM_020800.3(IFT80):c.511A>G (p.Ile171Val)

Genes: IFT80 (intraflagellar transport 80; minus strand), TRIM59-IFT80 (TRIM59-IFT80 readthrough (NMD candidate); minus strand). Cytogenetic location: 3q25.33.
Variant type: single nucleotide variant.
Coding change: c.511A>G on transcript NM_020800.3 (MANE Select); coding-DNA position 511, A replaced by G.
Protein change: p.Ile171Val; replaces isoleucine 171 with valine.
Molecular consequence: missense variant. On other transcripts: non-coding transcript variant (3).
Genome position (GRCh38, 1-based): chr3:160,366,081, T>C on the plus strand (A>G on the coding strand, the complement: IFT80 is on the minus strand). VCF-style: chr3-160366081-T-C. GRCh37 (hg19) VCF-style: chr3-160083869-T-C.
Other names: c.100A>G, p.Ile34Val (NM_001190241.2, NM_001190242.2); short protein forms I171V, I34V.
Identifiers: ClinVar variation 902125 (VCV000902125.10), dbSNP rs140163837, ClinGen allele CA2685463.

ClinVar aggregate classification (germline): Uncertain significance. Review status: criteria provided, multiple submitters, no conflicts (2 of 4 stars). 3 submissions from 3 submitters: Uncertain significance (3). Last evaluated 2023-08-30.

Conditions:
Asphyxiating thoracic dystrophy 2 (SRTD2). Also called: SHORT-RIB THORACIC DYSPLASIA 2 WITH POLYDACTYLY; SHORT-RIB THORACIC DYSPLASIA 2 WITHOUT POLYDACTYLY; SHORT-RIB THORACIC DYSPLASIA 2 WITH OR WITHOUT POLYDACTYLY. Identifiers: Orphanet 474, MedGen C1970005, MONDO:0012644, OMIM 611263.
Jeune thoracic dystrophy. Also called: Jeune syndrome; Infantile thoracic dystrophy; Thoracic pelvic phalangeal dystrophy; Jeune's syndrome; Chondroectodermal dysplasia-like syndrome; Short-rib thoracic dysplasia. Identifiers: Orphanet 474, MedGen C0265275, MONDO:0018770.
Inborn genetic diseases. Identifiers: MedGen C0950123, MeSH D030342.

Allele frequency attached by ClinVar (database versions not stated): gnomAD 0.00005; gnomAD exomes 0.00005 and 0.00012; TOPMed 0.00005; ExAC 0.00008; ESP Exome Variant Server 0.00031.
gnomAD v4.1: 82 of 1,612,740 alleles (0.0051%); highest among the groups gnomAD compares: Admixed American, 0.005%; no homozygotes.

Submissions (3):

Labcorp Genetics (formerly Invitae), Labcorp
Classification: Uncertain significance for Jeune thoracic dystrophy. Last evaluated: 2023-08-30. Review status: criteria provided, single submitter. Criteria: Invitae Variant Classification Sherloc (09022015). Collection method: clinical testing. Allele origin: germline.
Comment: In summary, the available evidence is currently insufficient to determine the role of this variant in disease. Therefore, it has been classified as a Variant of Uncertain Significance. Advanced modeling of protein sequence and biophysical properties (such as structural, functional, and spatial information, amino acid conservation, physicochemical variation, residue mobility, and thermodynamic stability) performed at Invitae indicates that this missense variant is not expected to disrupt IFT80 protein function. ClinVar contains an entry for this variant (Variation ID: 902125). This sequence change replaces isoleucine, which is neutral and non-polar, with valine, which is neutral and non-polar, at codon 171 of the IFT80 protein (p.Ile171Val). This variant is present in population databases (rs140163837, gnomAD 0.2%). This variant has not been reported in the literature in individuals affected with IFT80-related conditions.

Ambry Genetics
Classification: Uncertain significance for Inborn genetic diseases. Last evaluated: 2021-12-21. Review status: criteria provided, single submitter. Criteria: Ambry Variant Classification Scheme 2023. Collection method: clinical testing. Allele origin: germline.

Illumina Laboratory Services, Illumina
Classification: Uncertain significance for Asphyxiating thoracic dystrophy 2. Last evaluated: 2018-01-13. Review status: criteria provided, single submitter. Criteria: ICSL Variant Classification Criteria 13 December 2019. Collection method: clinical testing. Allele origin: germline.